The following is an entry in ClinVar:

NM_014844.5(TECPR2):c.1191del (p.Met398fs)

Gene: TECPR2 (tectonin beta-propeller repeat containing 2; plus strand). Cytogenetic location: 14q32.31.
Variant type: Deletion.
Coding change: c.1191del on transcript NM_014844.5 (MANE Select); coding-DNA position 1191, one base deleted (C; older notation c.1191delC).
Protein change: p.Met398fs; shifts the reading frame from methionine 398.
Molecular consequence: frameshift variant.
Genome position (GRCh38, 1-based): chr14:102,431,902, C deleted; the last of 2 consecutive C bases (chr14:102,431,901-102,431,902); deleting either gives the same sequence. VCF-style (leftmost placement, unchanged base first): chr14-102431900-TC-T. GRCh37 (hg19) VCF-style: chr14-102898237-TC-T.
Other names: c.1191del, p.Met398fs (NM_001172631.3); short protein forms M398fs.
Identifiers: ClinVar variation 3012542 (VCV003012542.3), dbSNP rs2504417581, ClinGen allele CA2740097209.

ClinVar aggregate classification (germline): Pathogenic (1 of 4 stars; one submission).

Conditions:
Hereditary spastic paraplegia 49 (HSAN9). Also called: Spastic paraplegia 49, autosomal recessive; TECPR2-Related Hereditary Sensory and Autonomic Neuropathy with Intellectual Disability; NEUROPATHY, HEREDITARY SENSORY AND AUTONOMIC, TYPE IX, WITH DEVELOPMENTAL DELAY. Identifiers: Orphanet 320385, MedGen C5190860, MONDO:0014016, OMIM 615031.

Submission:

Labcorp Genetics (formerly Invitae), Labcorp
Classification: Pathogenic for Hereditary spastic paraplegia 49. Last evaluated: 2024-01-02. Review status: criteria provided, single submitter. Criteria: Invitae Variant Classification Sherloc (09022015). Collection method: clinical testing. Allele origin: germline.
Comment: This sequence change creates a premature translational stop signal (p.Met398Trpfs*61) in the TECPR2 gene. It is expected to result in an absent or disrupted protein product. Loss-of-function variants in TECPR2 are known to be pathogenic (PMID: 23176824, 25590979). This variant is not present in population databases (gnomAD no frequency). This variant has not been reported in the literature in individuals affected with TECPR2-related conditions. For these reasons, this variant has been classified as Pathogenic.

Literature cited by the submitters: PubMed 23176824; PubMed 25590979.